The following is an entry in ClinVar:

ClinVar aggregate classification (germline): Likely pathogenic. Review status: criteria provided, multiple submitters, no conflicts (2 of 4 stars). 2 submissions from 2 submitters: Likely pathogenic (2). Last evaluated 2025-01-08.

Conditions:
Familial cancer of breast. Also called: BREAST CANCER, FAMILIAL; Hereditary breast cancer; hereditary breast carcinoma. Identifiers: Orphanet 227535, MedGen C0346153, MONDO:0016419, OMIM 114480. Disease mechanism: loss of function.
Hereditary cancer-predisposing syndrome. Also called: Tumor predisposition; Neoplastic Syndromes, Hereditary; Hereditary Cancer Syndrome; Hereditary neoplastic syndrome. Identifiers: Orphanet 140162, MedGen C0027672, MeSH D009386, MONDO:0015356.

Submissions (2):

Labcorp Genetics (formerly Invitae), Labcorp
Classification: Likely pathogenic for Familial cancer of breast. Last evaluated: 2025-01-08. Review status: criteria provided, single submitter. Criteria: Invitae Variant Classification Sherloc (09022015). Collection method: clinical testing. Allele origin: germline.
Comment: This sequence change affects an acceptor splice site in intron 3 of the CHEK2 gene. It is expected to disrupt RNA splicing. Variants that disrupt the donor or acceptor splice site typically lead to a loss of protein function (PMID: 16199547), and loss-of-function variants in CHEK2 are known to be pathogenic (PMID: 21876083, 24713400). This variant is not present in population databases (gnomAD no frequency). This variant has not been reported in the literature in individuals affected with CHEK2-related conditions. Algorithms developed to predict the effect of sequence changes on RNA splicing suggest that this variant may disrupt the consensus splice site. In summary, the currently available evidence indicates that the variant is pathogenic, but additional data are needed to prove that conclusively. Therefore, this variant has been classified as Likely Pathogenic.

Ambry Genetics
Classification: Likely pathogenic for Hereditary cancer-predisposing syndrome. Last evaluated: 2024-12-06. Review status: criteria provided, single submitter. Criteria: Ambry Variant Classification Scheme 2023. Collection method: clinical testing. Allele origin: germline.
Comment: The c.445-1G>T intronic variant results from a G to T substitution one nucleotide upstream from coding exon 3 of the CHEK2 gene. This variant is considered to be rare based on population cohorts in the Genome Aggregation Database (gnomAD). This nucleotide position is highly conserved in available vertebrate species. In silico splice site analysis predicts that this alteration will weaken the native splice acceptor site. Alterations that disrupt the canonical splice site are expected to cause aberrant splicing, resulting in an abnormal protein or a transcript that is subject to nonsense-mediated mRNA decay. As such, this alteration is classified as likely pathogenic.

Literature cited by the submitters: PubMed 16199547 (cited by Labcorp Genetics (formerly Invitae), Labcorp); PubMed 21876083 (cited by Labcorp Genetics (formerly Invitae), Labcorp); PubMed 24713400 (cited by Labcorp Genetics (formerly Invitae), Labcorp).

NM_007194.4(CHEK2):c.445-1G>T

Gene: CHEK2 (checkpoint kinase 2; minus strand). Cytogenetic location: 22q12.1.
Variant type: single nucleotide variant.
Coding change: c.445-1G>T on transcript NM_007194.4 (MANE Select); the canonical splice acceptor site of the intron before coding-DNA position 445, G replaced by T.
Molecular consequence: splice acceptor variant. On other transcripts: intron variant (1).
Genome position (GRCh38, 1-based): chr22:28,725,125, C>A on the plus strand (G>T on the coding strand, the complement: CHEK2 is on the minus strand). VCF-style: chr22-28725125-C-A. GRCh37 (hg19) VCF-style: chr22-29121113-C-A.
Other names: c.-219-1G>T (NM_001437942.1); c.444+118G>T (NM_001349956.3); c.445-1G>T (NM_145862.3); c.-333-1G>T (NM_001257387.3); c.538-1G>T (NM_001438295.1, NM_001438293.1); c.574-1G>T (NM_001438294.1, NM_001005735.3).
Identifiers: ClinVar variation 3492206 (VCV003492206.3).
Genomic context (GRCh38, chr22:28,725,125, plus strand): 5'-GGTTCCATTGCCACTGTGATCTTCTATGTATGCAATGTAAGAGTTTTTAGGACCCACTTC[C>A]TAAAATAGAGAACATTTTGTTTCAGACTTTGAATAGCAGAGATTTATAGTGGGAAAATAT-3'